The following is an entry in ClinVar:

ClinVar aggregate classification (germline): Pathogenic/Likely pathogenic. Review status: criteria provided, multiple submitters, no conflicts (2 of 4 stars). 2 submissions from 2 submitters: Pathogenic (1); Likely pathogenic (1). Last evaluated 2024-01-22.

Conditions:
Nemaline myopathy 2 (NEM2). Also called: Nemaline myopathy 2, autosomal recessive. Identifiers: MedGen C1850569, MONDO:0009725, OMIM 256030.
Arthrogryposis multiplex congenita 6. Identifiers: MedGen C5543431, MONDO:0030281, OMIM 619334.

gnomAD v4.1: 1 of 1,606,738 alleles (0.000062%); no homozygotes.

Submissions (2):

Labcorp Genetics (formerly Invitae), Labcorp
Classification: Pathogenic for Nemaline myopathy 2. Last evaluated: 2024-01-22. Review status: criteria provided, single submitter. Criteria: Invitae Variant Classification Sherloc (09022015). Collection method: clinical testing. Allele origin: germline.
Comment: This sequence change affects a donor splice site in intron 16 of the NEB gene. It is expected to disrupt RNA splicing. Variants that disrupt the donor or acceptor splice site typically lead to a loss of protein function (PMID: 16199547), and loss-of-function variants in NEB are known to be pathogenic (PMID: 25205138). This variant is not present in population databases (gnomAD no frequency). Disruption of this splice site has been observed in individuals with nemaline myopathy (Invitae). ClinVar contains an entry for this variant (Variation ID: 1470657). Algorithms developed to predict the effect of sequence changes on RNA splicing suggest that this variant may disrupt the consensus splice site. For these reasons, this variant has been classified as Pathogenic.

Fulgent Genetics
Classification: Likely pathogenic for Nemaline myopathy 2; Arthrogryposis multiplex congenita 6. Last evaluated: 2024-01-09. Review status: criteria provided, single submitter. Criteria: ACMG Guidelines, 2015. Collection method: clinical testing. Allele origin: germline.

Literature cited by the submitters: PubMed 16199547 (cited by Labcorp Genetics (formerly Invitae), Labcorp); PubMed 25205138 (cited by Labcorp Genetics (formerly Invitae), Labcorp).

NM_001164508.2(NEB):c.1470+1G>C

Gene: NEB (nebulin; minus strand). Cytogenetic location: 2q23.3.
Variant type: single nucleotide variant.
Coding change: c.1470+1G>C on transcript NM_001164508.2 (MANE Select); the canonical splice donor site of the intron after coding-DNA position 1470, G replaced by C.
Molecular consequence: splice donor variant.
Genome position (GRCh38, 1-based): chr2:151,697,147, C>G on the plus strand (G>C on the coding strand, the complement: NEB is on the minus strand). VCF-style: chr2-151697147-C-G. GRCh37 (hg19) VCF-style: chr2-152553661-C-G.
Other names: c.1470+1G>C (NM_004543.5, NM_001164507.2, NM_001271208.2).
Identifiers: ClinVar variation 1470657 (VCV001470657.7), dbSNP rs1220787593, ClinGen allele CA348825281.
Genomic context (GRCh38, chr2:151,697,147, plus strand): 5'-TATCCTGACCACTAGATGCTATGGAAGGCAGTCACATTCAAAGTTCAGACTACAGACTTA[C>G]GTCTTTACACTGATCTAGTTTCTTAATTGCTTCATATTCTTGAGTTATGGTCTGAGGGAA-3'